The following is an entry in ClinVar:

NM_001267550.2(TTN):c.70467C>A (p.Cys23489Ter)

Genes: TTN (titin; minus strand), TTN-AS1 (TTN antisense RNA 1; plus strand), LOC126806422 (BRD4-independent group 4 enhancer GRCh37_chr2:179440205-179441404; plus strand). Cytogenetic location: 2q31.2.
Variant type: single nucleotide variant.
Coding change: c.70467C>A on transcript NM_001267550.2 (MANE Select); coding-DNA position 70467, C replaced by A.
Protein change: p.Cys23489Ter; replaces cysteine 23489 with a stop codon.
Molecular consequence: nonsense.
Genome position (GRCh38, 1-based): chr2:178,575,665, G>T on the plus strand (C>A on the coding strand, the complement: TTN is on the minus strand). VCF-style: chr2-178575665-G-T. GRCh37 (hg19) VCF-style: chr2-179440392-G-T.
Other names: c.65544C>A, p.Cys21848Ter (NM_001256850.1); c.43272C>A, p.Cys14424Ter (NM_003319.4); c.62763C>A, p.Cys20921Ter (NM_133378.4); c.43647C>A, p.Cys14549Ter (NM_133432.3); c.43848C>A, p.Cys14616Ter (NM_133437.4); short protein forms C21848*, C23489*, C14549*, C20921*, C14424*, C14616*.
Identifiers: ClinVar variation 1500144 (VCV001500144.6), dbSNP rs2154172442, ClinGen allele CA349662931.
Genomic context (GRCh38, chr2:178,575,665, plus strand): 5'-CACTCTGAAGAAATATTCACACCCTTCAGACAAGCCGGTAACTTTATATGTGCATTTATG[G>T]CACTTAGTGGTGGCTGTGGAATAAGATTTCCGTGTTGCTTCACGTTTCTCTACAATGTAG-3'

ClinVar aggregate classification (germline): Likely pathogenic (1 of 4 stars; one submission).

Conditions:
Dilated cardiomyopathy 1G (CMD1G). Identifiers: Orphanet 154, MedGen C1858763, MONDO:0011400, OMIM 604145.
Autosomal recessive limb-girdle muscular dystrophy type 2J (LGMDR10). Also called: Limb-girdle muscular dystrophy, type 2J; MUSCULAR DYSTROPHY, LIMB-GIRDLE, AUTOSOMAL RECESSIVE 10. Identifiers: Orphanet 140922, MedGen C1837342, MONDO:0012127, OMIM 608807.

Submission:

Labcorp Genetics (formerly Invitae), Labcorp
Classification: Likely pathogenic for Dilated cardiomyopathy 1G; Autosomal recessive limb-girdle muscular dystrophy type 2J. Last evaluated: 2021-08-27. Review status: criteria provided, single submitter. Criteria: Invitae Variant Classification Sherloc (09022015). Collection method: clinical testing. Allele origin: germline.
Comment: This sequence change creates a premature translational stop signal (p.Cys23489*) in the TTN gene. While this is not anticipated to result in nonsense mediated decay, it is expected to create a truncated TTN protein. This variant is not present in population databases (ExAC no frequency). This variant has not been reported in the literature in individuals affected with TTN-related conditions. This variant is located in the A band of TTN (PMID: 25589632). Truncating variants in this region are significantly overrepresented in patients affected with dilated cardiomyopathy (PMID: 25589632). Truncating variants in this region have also been reported in individuals affected with autosomal recessive centronuclear myopathy (PMID: 23975875). In summary, the currently available evidence indicates that the variant is pathogenic, but additional data are needed to prove that conclusively. Therefore, this variant has been classified as Likely Pathogenic.

Literature cited by the submitters: PubMed 25589632; PubMed 23975875.